The following is an entry in ClinVar:

ClinVar aggregate classification (germline): Uncertain significance (1 of 4 stars; one submission).

Conditions:
Cardiovascular phenotype. Identifiers: MedGen CN230736.

Submission:

Ambry Genetics
Classification: Uncertain significance for Cardiovascular phenotype. Last evaluated: 2025-08-03. Review status: criteria provided, single submitter. Criteria: Ambry Variant Classification Scheme 2023. Collection method: clinical testing. Allele origin: germline.
Comment: The p.L78F variant (also known as c.234G>C), located in coding exon 3 of the FKTN gene, results from a G to C substitution at nucleotide position 234. The leucine at codon 78 is replaced by phenylalanine, an amino acid with highly similar properties. This amino acid position is conserved. In addition, this alteration is predicted to be tolerated by in silico analysis. Based on the available evidence, the clinical significance of this variant remains unclear.

NM_001079802.2(FKTN):c.234G>C (p.Leu78Phe)

Gene: FKTN (fukutin; plus strand). Cytogenetic location: 9q31.2.
Variant type: single nucleotide variant.
Coding change: c.234G>C on transcript NM_001079802.2 (MANE Select); coding-DNA position 234, G replaced by C.
Protein change: p.Leu78Phe; replaces leucine 78 with phenylalanine.
Molecular consequence: missense variant. On other transcripts: 5 prime UTR variant (4), non-coding transcript variant (2).
Genome position (GRCh38, 1-based): chr9:105,601,213, G>C. VCF-style: chr9-105601213-G-C. GRCh37 (hg19) VCF-style: chr9-108363494-G-C.
Other names: c.234G>C, p.Leu78Phe (NM_001198963.2, NM_001351496.2, NM_001351498.2 and 1 more transcripts); c.165G>C, p.Leu55Phe (NM_001351497.2); c.-281G>C (NM_001351499.2, NM_001351500.2, NM_001351501.2 and 1 more transcripts); short protein forms L55F, L78F.
Identifiers: ClinVar variation 4257881 (VCV004257881.1).